The following is an entry in ClinVar:

NM_006946.4(SPTBN2):c.2006C>T (p.Thr669Met)

Gene: SPTBN2 (spectrin beta, non-erythrocytic 2; minus strand). Cytogenetic location: 11q13.2.
Variant type: single nucleotide variant.
Coding change: c.2006C>T on transcript NM_006946.4 (MANE Select); coding-DNA position 2006, C replaced by T.
Protein change: p.Thr669Met; replaces threonine 669 with methionine.
Molecular consequence: missense variant.
Genome position (GRCh38, 1-based): chr11:66,705,270, G>A on the plus strand (C>T on the coding strand, the complement: SPTBN2 is on the minus strand). VCF-style: chr11-66705270-G-A. GRCh37 (hg19) VCF-style: chr11-66472741-G-A.
Other names: short protein forms T669M.
Identifiers: ClinVar variation 995237 (VCV000995237.9), dbSNP rs775522542, ClinGen allele CA6129199.
Genomic context (GRCh38, chr11:66,705,270, plus strand): 5'-TCGCCCCGCAGGGCTGTGTGCTTGTTGAGCAGGCGGAGGGCACCGGTCAGGTCTCGGCCC[G>A]TGTCGGCTGAGGCCAGGAGGTGCTGCTGCTCCCGCACCCAGGCCTCAGCTTCACCCACCT-3'
Protein context (NP_008877.2, residues 659-679): EQQHLLASAD[Thr669Met]GRDLTGALRL

ClinVar aggregate classification (germline): Conflicting classifications of pathogenicity. Review status: criteria provided, conflicting classifications (1 of 4 stars). 3 submissions from 3 submitters: Uncertain significance (2); Likely benign (1). Last evaluated 2025-11-30.

Conditions:
Inborn genetic diseases. Identifiers: MedGen C0950123, MeSH D030342.

Allele frequency attached by ClinVar (database versions not stated): gnomAD exomes 0.00001; ExAC 0.00002; TOPMed 0.00002.
gnomAD v4.1: 27 of 1,592,532 alleles (0.0017%); highest among the groups gnomAD compares: Middle Eastern, 0.033%; no homozygotes.

Submissions (3):

Labcorp Genetics (formerly Invitae), Labcorp
Classification: Likely benign. Last evaluated: 2025-11-30. Review status: criteria provided, single submitter. Criteria: Invitae Variant Classification Sherloc (09022015). Collection method: clinical testing. Allele origin: germline.

Athena Diagnostics
Classification: Uncertain significance. Last evaluated: 2025-06-11. Review status: criteria provided, single submitter. Criteria: Athena Diagnostics Criteria. Collection method: clinical testing. Allele origin: unknown.
Comment: Available data are insufficient to determine the clinical significance of the variant at this time. The frequency of this variant in the general population is uninformative in assessment of its pathogenicity. This variant has been seen where an alternate explanation for disease was also identified, suggesting this variant may not cause disease. Polyphen and MutationTaster yielded discordant predictions regarding whether this amino acid change is damaging to the protein.

Ambry Genetics
Classification: Uncertain significance for Inborn genetic diseases. Last evaluated: 2024-05-30. Review status: criteria provided, single submitter. Criteria: Ambry Variant Classification Scheme 2023. Collection method: clinical testing. Allele origin: germline.